The following is an entry in ClinVar:

ClinVar aggregate classification (germline): Likely pathogenic (1 of 4 stars; one submission).

Conditions:
Charcot-Marie-Tooth disease axonal type 2P. Also called: CHARCOT-MARIE-TOOTH DISEASE, AXONAL, TYPE 2G; CMT 2G; CHARCOT-MARIE-TOOTH NEUROPATHY, TYPE 2P; Charcot-Marie-Tooth Neuropathy Type 2G. Identifiers: Orphanet 300319, Orphanet 99941, MedGen C3280797, MONDO:0013753, OMIM 614436.

Submission:

Labcorp Genetics (formerly Invitae), Labcorp
Classification: Likely pathogenic for Charcot-Marie-Tooth disease axonal type 2P. Last evaluated: 2024-07-16. Review status: criteria provided, single submitter. Criteria: Invitae Variant Classification Sherloc (09022015). Collection method: clinical testing. Allele origin: germline.
Comment: This sequence change affects an acceptor splice site in intron 6 of the LRSAM1 gene. It is expected to disrupt RNA splicing. Variants that disrupt the donor or acceptor splice site typically lead to a loss of protein function (PMID: 16199547), and loss-of-function variants in LRSAM1 are known to be pathogenic (PMID: 20865121, 33414056). This variant is not present in population databases (gnomAD no frequency). This variant has not been reported in the literature in individuals affected with LRSAM1-related conditions. Algorithms developed to predict the effect of sequence changes on RNA splicing suggest that this variant may disrupt the consensus splice site. In summary, the currently available evidence indicates that the variant is pathogenic, but additional data are needed to prove that conclusively. Therefore, this variant has been classified as Likely Pathogenic.

Literature cited by the submitters: PubMed 16199547; PubMed 20865121; PubMed 33414056.

NM_001005373.4(LRSAM1):c.322-2A>G

Gene: LRSAM1 (leucine rich repeat and sterile alpha motif containing 1; plus strand). Cytogenetic location: 9q33.3.
Variant type: single nucleotide variant.
Coding change: c.322-2A>G on transcript NM_001005373.4 (MANE Select); the canonical splice acceptor site of the intron before coding-DNA position 322, A replaced by G.
Molecular consequence: splice acceptor variant.
Genome position (GRCh38, 1-based): chr9:127,461,171, A>G. VCF-style: chr9-127461171-A-G. GRCh37 (hg19) VCF-style: chr9-130223450-A-G.
Other names: c.322-2A>G (NM_138361.5, NM_001384142.1, NM_001384143.1 and 2 more transcripts); c.-463-2A>G (NM_001384144.1).
Identifiers: ClinVar variation 3705640 (VCV003705640.2).
Genomic context (GRCh38, chr9:127,461,171, plus strand): 5'-CCCAAAGTGCTGGGATTACAGGCATAAGCCACTGCGCCTGGCTGCCTCTTCCTCTTTCTT[A>G]GGTCTTAAACGTGGAAAGGAATCAACTGATGCAGCTCCCACGTTCCATTGGGAACCTGAC-3'